The following is an entry in ClinVar:

NM_004656.4(BAP1):c.1325C>T (p.Pro442Leu)

Gene: BAP1 (BRCA1 associated deubiquitinase 1; minus strand). Cytogenetic location: 3p21.1.
Variant type: single nucleotide variant.
Coding change: c.1325C>T on transcript NM_004656.4 (MANE Select); coding-DNA position 1325, C replaced by T.
Protein change: p.Pro442Leu; replaces proline 442 with leucine.
Molecular consequence: missense variant.
Genome position (GRCh38, 1-based): chr3:52,403,820, G>A on the plus strand (C>T on the coding strand, the complement: BAP1 is on the minus strand). VCF-style: chr3-52403820-G-A. GRCh37 (hg19) VCF-style: chr3-52437836-G-A.
Other names: c.1271C>T, p.Pro424Leu (NM_001410772.1); short protein forms P424L, P442L.
Identifiers: ClinVar variation 1995542 (VCV001995542.5), dbSNP rs587778089, ClinGen allele CA353102098.

ClinVar aggregate classification (germline): Uncertain significance. Review status: criteria provided, multiple submitters, no conflicts (2 of 4 stars). 2 submissions from 2 submitters: Uncertain significance (2). Last evaluated 2024-12-29.

Conditions:
Hereditary cancer-predisposing syndrome. Also called: Neoplastic Syndromes, Hereditary; Hereditary neoplastic syndrome; Tumor predisposition; Hereditary Cancer Syndrome. Identifiers: Orphanet 140162, MedGen C0027672, MeSH D009386, MONDO:0015356.
BAP1-related tumor predisposition syndrome (TPDS1). Also called: BAP1 tumor predisposition syndrome; Tumor susceptibility linked to germline BAP1 mutations; COMMON Syndrome; TUMOR PREDISPOSITION SYNDROME 1. Identifiers: Orphanet 289539, MedGen C3280492, MONDO:0013692, OMIM 614327.

Submissions (2):

Ambry Genetics
Classification: Uncertain significance for Hereditary cancer-predisposing syndrome. Last evaluated: 2024-12-29. Review status: criteria provided, single submitter. Criteria: Ambry Variant Classification Scheme 2023. Collection method: clinical testing. Allele origin: germline.
Comment: The p.P442L variant (also known as c.1325C>T), located in coding exon 13 of the BAP1 gene, results from a C to T substitution at nucleotide position 1325. The proline at codon 442 is replaced by leucine, an amino acid with similar properties. This amino acid position is conserved. In addition, the in silico prediction for this alteration is inconclusive. Based on the available evidence, the clinical significance of this variant remains unclear.

Labcorp Genetics (formerly Invitae), Labcorp
Classification: Uncertain significance for BAP1-related tumor predisposition syndrome. Last evaluated: 2022-05-17. Review status: criteria provided, single submitter. Criteria: Invitae Variant Classification Sherloc (09022015). Collection method: clinical testing. Allele origin: germline.
Comment: Algorithms developed to predict the effect of missense changes on protein structure and function are either unavailable or do not agree on the potential impact of this missense change (SIFT: "Deleterious"; PolyPhen-2: "Possibly Damaging"; Align-GVGD: "Class C0"). This variant has not been reported in the literature in individuals affected with BAP1-related conditions. This variant is not present in population databases (gnomAD no frequency). This sequence change replaces proline, which is neutral and non-polar, with leucine, which is neutral and non-polar, at codon 442 of the BAP1 protein (p.Pro442Leu). In summary, the available evidence is currently insufficient to determine the role of this variant in disease. Therefore, it has been classified as a Variant of Uncertain Significance.